The following is an entry in ClinVar:

NM_002121.6(HLA-DPB1):c.177C>T (p.Tyr59=)

Genes: HLA-DPA1 (major histocompatibility complex, class II, DP alpha 1; minus strand), HLA-DPB1 (major histocompatibility complex, class II, DP beta 1; plus strand). Cytogenetic location: 6p21.32.
Variant type: single nucleotide variant.
Coding change: c.177C>T on transcript NM_002121.6 (MANE Select); coding-DNA position 177, C replaced by T.
Protein change: p.Tyr59=; no amino-acid change (tyrosine 59 retained).
Molecular consequence: synonymous variant. On other transcripts: 5 prime UTR variant (2).
Genome position (GRCh38, 1-based): chr6:33,080,748, C>T. VCF-style: chr6-33080748-C-T. GRCh37 (hg19) VCF-style: chr6-33048525-C-T.
Other names: c.-168G>A (NM_001242524.2); c.-92G>A (NM_001242525.2).
Identifiers: ClinVar variation 3388854 (VCV003388854.14).

ClinVar aggregate classification (germline): Likely benign (1 of 4 stars; one submission).

Submission:

CeGaT Center for Human Genetics Tuebingen
Classification: Likely benign. Last evaluated: 2026-06-01. Review status: criteria provided, single submitter. Criteria: CeGaT Center For Human Genetics Tuebingen Variant Classification Criteria Version 2. Collection method: clinical testing. Allele origin: germline. Affected: yes. Observed: 3 variant alleles.
Comment: HLA-DPB1: BP4, BP7